The following is an entry in ClinVar:

ClinVar aggregate classification (germline): Uncertain significance (1 of 4 stars; one submission).

Conditions:
Inborn genetic diseases. Identifiers: MedGen C0950123, MeSH D030342.

Submission:

Ambry Genetics
Classification: Uncertain significance for Inborn genetic diseases. Last evaluated: 2023-05-25. Review status: criteria provided, single submitter. Criteria: Ambry Variant Classification Scheme 2023. Collection method: clinical testing. Allele origin: germline.
Comment: The p.Q336K variant (also known as c.1006C>A), located in coding exon 9 of the LRRK2 gene, results from a C to A substitution at nucleotide position 1006. The glutamine at codon 336 is replaced by lysine, an amino acid with similar properties. This amino acid position is conserved. In addition, this alteration is predicted to be tolerated by in silico analysis. Since supporting evidence is limited at this time, the clinical significance of this alteration remains unclear.

NM_198578.4(LRRK2):c.1006C>A (p.Gln336Lys)

Gene: LRRK2 (leucine rich repeat kinase 2; plus strand). Cytogenetic location: 12q12.
Variant type: single nucleotide variant.
Coding change: c.1006C>A on transcript NM_198578.4 (MANE Select); coding-DNA position 1006, C replaced by A.
Protein change: p.Gln336Lys; replaces glutamine 336 with lysine.
Molecular consequence: missense variant.
Genome position (GRCh38, 1-based): chr12:40,251,279, C>A. VCF-style: chr12-40251279-C-A. GRCh37 (hg19) VCF-style: chr12-40645081-C-A.
Other names: short protein forms Q336K.
Identifiers: ClinVar variation 2567419 (VCV002567419.2), dbSNP rs2499502754, ClinGen allele CA384407791.
Genomic context (GRCh38, chr12:40,251,279, plus strand): 5'-AATTTTTTTCAAGCTGAGACTATTTTCTTAAATCAAGATTTAGAGGAAAAGAATGAGAAT[C>A]AAGAGAATGATGATGAGGGGGAAGAAGATAAATTGTTTTGGCTGGAAGCCTGTTACAAAG-3'
Protein context (NP_940980.4, residues 326-346): NQDLEEKNEN[Gln336Lys]ENDDEGEEDK